The following is an entry in ClinVar:

NM_020338.4(ZMIZ1):c.2758C>A (p.Gln920Lys)

Gene: ZMIZ1 (zinc finger MIZ-type containing 1; plus strand). Cytogenetic location: 10q22.3.
Variant type: single nucleotide variant.
Coding change: c.2758C>A on transcript NM_020338.4 (MANE Select); coding-DNA position 2758, C replaced by A.
Protein change: p.Gln920Lys; replaces glutamine 920 with lysine.
Molecular consequence: missense variant.
Genome position (GRCh38, 1-based): chr10:79,307,494, C>A. VCF-style: chr10-79307494-C-A. GRCh37 (hg19) VCF-style: chr10-81067251-C-A.
Other names: short protein forms Q920K.
Identifiers: ClinVar variation 5017309 (VCV005017309.1).

ClinVar aggregate classification (germline): Uncertain significance (1 of 4 stars; one submission).

Submission:

GeneDx
Classification: Uncertain significance. Last evaluated: 2026-03-26. Review status: criteria provided, single submitter. Criteria: GeneDx Variant Classification Process June 2021. Collection method: clinical testing. Allele origin: germline.
Comment: Not observed at significant frequency in large population cohorts (gnomAD); In silico analysis suggests that this missense variant does not alter protein structure/function; Has not been previously published as pathogenic or benign to our knowledge